The following is an entry in ClinVar:

ClinVar aggregate classification (germline): Conflicting classifications of pathogenicity. Review status: criteria provided, conflicting classifications (1 of 4 stars). 3 submissions from 3 submitters: Uncertain significance (1); Likely benign (2). Last evaluated 2025-12-03.

Conditions:
Inborn genetic diseases. Identifiers: MedGen C0950123, MeSH D030342.
DYRK1A-related intellectual disability syndrome (MRD7). Also called: DYRK1A Syndrome; Intellectual developmental disorder, autosomal dominant 7. Identifiers: Orphanet 464306, MedGen C5568143, MONDO:0013578, OMIM 614104.

Allele frequency attached by ClinVar (database versions not stated): gnomAD 0.00003 and 0.00004; gnomAD exomes 0.00003 and 0.00004; TOPMed 0.00003; ExAC 0.00004.
gnomAD v4.1: 60 of 1,614,112 alleles (0.0037%); highest among the groups gnomAD compares: Admixed American, 0.0067%; no homozygotes.

Submissions (3):

Labcorp Genetics (formerly Invitae), Labcorp
Classification: Uncertain significance for DYRK1A-related intellectual disability syndrome. Last evaluated: 2025-12-03. Review status: criteria provided, single submitter. Criteria: Invitae Variant Classification Sherloc (09022015). Collection method: clinical testing. Allele origin: germline.
Comment: This sequence change replaces arginine, which is basic and polar, with cysteine, which is neutral and slightly polar, at codon 683 of the DYRK1A protein (p.Arg683Cys). This variant is present in population databases (rs201554841, gnomAD 0.01%). This variant has not been reported in the literature in individuals affected with DYRK1A-related conditions. ClinVar contains an entry for this variant (Variation ID: 515685). Invitae Evidence Modeling of protein sequence and biophysical properties (such as structural, functional, and spatial information, amino acid conservation, physicochemical variation, residue mobility, and thermodynamic stability) indicates that this missense variant is not expected to disrupt DYRK1A protein function with a negative predictive value of 95%. In summary, the available evidence is currently insufficient to determine the role of this variant in disease. Therefore, it has been classified as a Variant of Uncertain Significance.

Ambry Genetics
Classification: Likely benign for Inborn genetic diseases. Last evaluated: 2025-01-30. Review status: criteria provided, single submitter. Criteria: Ambry Variant Classification Scheme 2023. Collection method: clinical testing. Allele origin: germline.

GeneDx
Classification: Likely benign. Last evaluated: 2019-04-22. Review status: criteria provided, single submitter. Criteria: GeneDx Variant Classification Process June 2021. Collection method: clinical testing. Allele origin: germline. Affected: yes.

NM_001347721.2(DYRK1A):c.2020C>T (p.Arg674Cys)

Gene: DYRK1A (dual specificity tyrosine phosphorylation regulated kinase 1A; plus strand). Cytogenetic location: 21q22.13.
Variant type: single nucleotide variant.
Coding change: c.2020C>T on transcript NM_001347721.2 (MANE Select); coding-DNA position 2020, C replaced by T.
Protein change: p.Arg674Cys; replaces arginine 674 with cysteine.
Molecular consequence: missense variant. On other transcripts: 3 prime UTR variant (2).
Genome position (GRCh38, 1-based): chr21:37,512,286, C>T. VCF-style: chr21-37512286-C-T. GRCh37 (hg19) VCF-style: chr21-38884589-C-T.
Other names: c.2020C>T, p.Arg674Cys (NM_001347722.2, NM_130436.2); c.1933C>T, p.Arg645Cys (NM_001347723.2); c.2047C>T, p.Arg683Cys (NM_001396.5); c.*423C>T (NM_101395.2); c.*332C>T (NM_130438.2); short protein forms R683C, R645C, R674C.
Identifiers: ClinVar variation 515685 (VCV000515685.14), dbSNP rs201554841, ClinGen allele CA10024150.